The following is an entry in ClinVar:

NM_001113491.2(SEPTIN9):c.1522G>A (p.Val508Ile)

Gene: SEPTIN9 (septin 9; plus strand). Cytogenetic location: 17q25.3.
Variant type: single nucleotide variant.
Coding change: c.1522G>A on transcript NM_001113491.2 (MANE Select); coding-DNA position 1522, G replaced by A.
Protein change: p.Val508Ile; replaces valine 508 with isoleucine.
Molecular consequence: missense variant.
Genome position (GRCh38, 1-based): chr17:77,493,025, G>A. VCF-style: chr17-77493025-G-A. GRCh37 (hg19) VCF-style: chr17-75489107-G-A.
Other names: c.1030G>A, p.Val344Ile (NM_001113492.2, NM_001113494.1); c.1501G>A, p.Val501Ile (NM_001113493.2); c.769G>A, p.Val257Ile (NM_001113495.2, NM_001113496.2, NM_001293697.2 and 1 more transcripts); c.1465G>A, p.Val489Ile (NM_001293695.2); c.850G>A, p.Val284Ile (NM_001293696.2); c.1468G>A, p.Val490Ile (NM_006640.5); short protein forms V257I, V284I, V344I, V489I, V490I, V501I, V508I.
Identifiers: ClinVar variation 2445549 (VCV002445549.4), dbSNP rs751930046, ClinGen allele CA401209986.
Genomic context (GRCh38, chr17:77,493,025, plus strand): 5'-CTGCCCGTTCCCCAGGAGATGATCCCATTTGCTGTGGTGGGCAGTGACCACGAGTACCAG[G>A]TCAACGGCAAGAGGATCCTTGGGAGGAAGACCAAGTGGGGTACCATCGAAGGTACTCGCC-3'
Protein context (NP_001106963.1, residues 498-518): AVVGSDHEYQ[Val508Ile]NGKRILGRKT

ClinVar aggregate classification (germline): Uncertain significance (1 of 4 stars; one submission).

Allele frequency attached by ClinVar (database versions not stated): gnomAD 0.00001; TOPMed 0.00001.
gnomAD v4.1: 9 of 1,570,860 alleles (0.00057%); highest among the groups gnomAD compares: Non-Finnish European, 0.00078%; no homozygotes.

Submission:

Labcorp Genetics (formerly Invitae), Labcorp
Classification: Uncertain significance. Last evaluated: 2023-12-06. Review status: criteria provided, single submitter. Criteria: Invitae Variant Classification Sherloc (09022015). Collection method: clinical testing. Allele origin: germline.
Comment: This sequence change replaces valine, which is neutral and non-polar, with isoleucine, which is neutral and non-polar, at codon 490 of the SEPT9 protein (p.Val490Ile). This variant is not present in population databases (gnomAD no frequency). This variant has not been reported in the literature in individuals affected with SEPT9-related conditions. ClinVar contains an entry for this variant (Variation ID: 2445549). Advanced modeling of protein sequence and biophysical properties (such as structural, functional, and spatial information, amino acid conservation, physicochemical variation, residue mobility, and thermodynamic stability) performed at Invitae indicates that this missense variant is not expected to disrupt SEPT9 protein function with a negative predictive value of 80%. In summary, the available evidence is currently insufficient to determine the role of this variant in disease. Therefore, it has been classified as a Variant of Uncertain Significance.